The following is an entry in ClinVar:

NM_001042432.2(CLN3):c.353G>A (p.Gly118Asp)

Gene: CLN3 (CLN3 lysosomal/endosomal transmembrane protein, battenin; minus strand). Cytogenetic location: 16p12.1.
Variant type: single nucleotide variant.
Coding change: c.353G>A on transcript NM_001042432.2 (MANE Select); coding-DNA position 353, G replaced by A.
Protein change: p.Gly118Asp; replaces glycine 118 with aspartic acid.
Molecular consequence: missense variant. On other transcripts: intron variant (1).
Genome position (GRCh38, 1-based): chr16:28,487,683, C>T on the plus strand (G>A on the coding strand, the complement: CLN3 is on the minus strand). VCF-style: chr16-28487683-C-T. GRCh37 (hg19) VCF-style: chr16-28499004-C-T.
Other names: c.353G>A, p.Gly118Asp (NM_000086.2); c.281G>A, p.Gly94Asp (NM_001286104.2); c.119G>A, p.Gly40Asp (NM_001286109.2); c.191G>A, p.Gly64Asp (NM_001286110.2); c.75-142G>A (NM_001286105.2); short protein forms G118D, G40D, G64D, G94D.
Identifiers: ClinVar variation 966553 (VCV000966553.6), dbSNP rs753305901, ClinGen allele CA7980965.

ClinVar aggregate classification (germline): Uncertain significance (1 of 4 stars; one submission).

Conditions:
Neuronal ceroid lipofuscinosis. Also called: Neuronal Ceroid Lipofuscinoses. Identifiers: Orphanet 216, Orphanet 79263, MedGen C0027877, MONDO:0016295. Disease mechanism: loss of function.

Allele frequency attached by ClinVar (database versions not stated): gnomAD exomes 0.00001; ExAC 0.00002.
gnomAD v4.1: 3 of 1,613,914 alleles (0.00019%); highest among the groups gnomAD compares: Admixed American, 0.005%; no homozygotes.

Submission:

Labcorp Genetics (formerly Invitae), Labcorp
Classification: Uncertain significance for Neuronal ceroid lipofuscinosis. Last evaluated: 2022-02-20. Review status: criteria provided, single submitter. Criteria: Invitae Variant Classification Sherloc (09022015). Collection method: clinical testing. Allele origin: germline.
Comment: This sequence change replaces glycine, which is neutral and non-polar, with aspartic acid, which is acidic and polar, at codon 118 of the CLN3 protein (p.Gly118Asp). This variant is present in population databases (rs753305901, gnomAD 0.006%). This variant has not been reported in the literature in individuals affected with CLN3-related conditions. ClinVar contains an entry for this variant (Variation ID: 966553). Algorithms developed to predict the effect of missense changes on protein structure and function are either unavailable or do not agree on the potential impact of this missense change (SIFT: "Tolerated"; PolyPhen-2: "Probably Damaging"; Align-GVGD: "Class C0"). In summary, the available evidence is currently insufficient to determine the role of this variant in disease. Therefore, it has been classified as a Variant of Uncertain Significance.